The following is an entry in ClinVar:

NM_001040108.2(MLH3):c.2678T>C (p.Met893Thr)

Gene: MLH3 (mutL homolog 3; minus strand). Cytogenetic location: 14q24.3.
Variant type: single nucleotide variant.
Coding change: c.2678T>C on transcript NM_001040108.2 (MANE Select); coding-DNA position 2678, T replaced by C.
Protein change: p.Met893Thr; replaces methionine 893 with threonine.
Molecular consequence: missense variant.
Genome position (GRCh38, 1-based): chr14:75,046,978, A>G on the plus strand (T>C on the coding strand, the complement: MLH3 is on the minus strand). VCF-style: chr14-75046978-A-G. GRCh37 (hg19) VCF-style: chr14-75513681-A-G.
Other names: c.2678T>C, p.Met893Thr (NM_014381.3); short protein forms M893T.
Identifiers: ClinVar variation 1794629 (VCV001794629.5), dbSNP rs1453423692, ClinGen allele CA390439085.

ClinVar aggregate classification (germline): Uncertain significance. Review status: criteria provided, multiple submitters, no conflicts (2 of 4 stars). 2 submissions from 2 submitters: Uncertain significance (2). Last evaluated 2024-12-22.

Conditions:
Colorectal cancer, hereditary nonpolyposis, type 7. Identifiers: Orphanet 144, MedGen C1858380, MONDO:0013725, OMIM 614385.

Submissions (2):

Ambry Genetics
Classification: Uncertain significance. Last evaluated: 2024-12-22. Review status: criteria provided, single submitter. Criteria: Ambry Variant Classification Scheme 2023. Collection method: clinical testing. Allele origin: germline.
Comment: The p.M893T variant (also known as c.2678T>C), located in coding exon 1 of the MLH3 gene, results from a T to C substitution at nucleotide position 2678. The methionine at codon 893 is replaced by threonine, an amino acid with similar properties. This amino acid position is conserved. In addition, this alteration is predicted to be tolerated by in silico analysis. Since supporting evidence is limited at this time, the clinical significance of this alteration remains unclear.

Labcorp Genetics (formerly Invitae), Labcorp
Classification: Uncertain significance for Colorectal cancer, hereditary nonpolyposis, type 7. Last evaluated: 2024-06-10. Review status: criteria provided, single submitter. Criteria: Invitae Variant Classification Sherloc (09022015). Collection method: clinical testing. Allele origin: germline.
Comment: This sequence change replaces methionine, which is neutral and non-polar, with threonine, which is neutral and polar, at codon 893 of the MLH3 protein (p.Met893Thr). This variant is not present in population databases (gnomAD no frequency). This variant has not been reported in the literature in individuals affected with MLH3-related conditions. ClinVar contains an entry for this variant (Variation ID: 1794629). Algorithms developed to predict the effect of missense changes on protein structure and function output the following: SIFT: "Not Available"; PolyPhen-2: "Benign"; Align-GVGD: "Not Available". The threonine amino acid residue is found in multiple mammalian species, which suggests that this missense change does not adversely affect protein function. In summary, the available evidence is currently insufficient to determine the role of this variant in disease. Therefore, it has been classified as a Variant of Uncertain Significance.